The following is an entry in ClinVar:

ClinVar aggregate classification (germline): Benign/Likely benign. Review status: criteria provided, multiple submitters, no conflicts (2 of 4 stars). 4 submissions from 4 submitters: Benign (2); Likely benign (2). Last evaluated 2026-01-06.

Allele frequency attached by ClinVar (database versions not stated): gnomAD exomes 0.00027 and 0.00123; gnomAD 0.00037 and 0.00052; TOPMed 0.00059; ExAC 0.00103; 1000 Genomes Project 30x 0.00344; 1000 Genomes Project 0.00399.
gnomAD v4.1: 507 of 1,604,020 alleles (0.032%); highest among the groups gnomAD compares: East Asian, 0.99%; 4 homozygotes.

Submissions (5):

Labcorp Genetics (formerly Invitae), Labcorp
Classification: Benign. Last evaluated: 2026-01-06. Review status: criteria provided, single submitter. Criteria: Invitae Variant Classification Sherloc (09022015). Collection method: clinical testing. Allele origin: germline.

CeGaT Center for Human Genetics Tuebingen
Classification: Likely benign. Last evaluated: 2025-06-01. Review status: criteria provided, single submitter. Criteria: CeGaT Center For Human Genetics Tuebingen Variant Classification Criteria Version 2. Collection method: clinical testing. Allele origin: germline. Affected: yes. Observed: 1 variant allele.
Comment: PIEZO2: BP4, BS2

Blueprint Genetics
Classification: Likely benign. Last evaluated: 2024-10-21. Review status: criteria provided, single submitter. Criteria: ACMG Guidelines, 2015. Collection method: clinical testing. Allele origin: germline.

Breakthrough Genomics
Classification: Benign. Review status: criteria provided, single submitter. Criteria: ACMG Guidelines, 2015. Collection method: not provided. Allele origin: germline. Inheritance: Autosomal recessive inheritance. Affected: yes.

Dr. Peter K. Rogan Lab, Western University
No classification provided (evidence only). Condition: Gastric cancer. Review status: no classification provided. Collection method: in vitro. Allele origin: not applicable. Functional consequence: retained intron. Not counted in ClinVar's aggregate classification.

NM_001378183.1(PIEZO2):c.7350-3C>A

Gene: PIEZO2 (piezo type mechanosensitive ion channel component 2; minus strand). Cytogenetic location: 18p11.22.
Variant type: single nucleotide variant.
Coding change: c.7350-3C>A on transcript NM_001378183.1 (MANE Select); 3 bases into the intron before coding-DNA position 7350, C replaced by A.
Molecular consequence: intron variant.
Genome position (GRCh38, 1-based): chr18:10,689,805, G>T on the plus strand (C>A on the coding strand, the complement: PIEZO2 is on the minus strand). VCF-style: chr18-10689805-G-T. GRCh37 (hg19) VCF-style: chr18-10689803-G-T.
Other names: c.7011-3C>A (NM_022068.4).
Identifiers: ClinVar variation 728582 (VCV000728582.21), dbSNP rs147568081, ClinGen allele CA8891991.